The following is an entry in ClinVar:

ClinVar aggregate classification (germline): Benign. Review status: criteria provided, multiple submitters, no conflicts (2 of 4 stars). 2 submissions from 2 submitters: Benign (2). Last evaluated 2019-01-18.

Allele frequency attached by ClinVar (database versions not stated): 1000 Genomes Project 30x 0.29997; 1000 Genomes Project 0.30292; TOPMed 0.42073; gnomAD 0.45421; gnomAD exomes 0.47412; ExAC 0.47535; ESP Exome Variant Server 0.48045.
gnomAD v4.1: 917,262 of 1,610,236 alleles (57%); highest among the groups gnomAD compares: Non-Finnish European, 64%; 279,892 homozygotes.

Submissions (2):

GeneDx
Classification: Benign. Last evaluated: 2019-01-18. Review status: criteria provided, single submitter. Criteria: GeneDx Variant Classification Process June 2021. Collection method: clinical testing. Allele origin: germline. Affected: yes.
Comment: This variant is associated with the following publications: (PMID: 30315176)

Breakthrough Genomics
Classification: Benign. Review status: criteria provided, single submitter. Criteria: ACMG Guidelines, 2015. Collection method: not provided. Allele origin: germline. Inheritance: Unknown mechanism. Affected: yes.

NM_004212.4(SLC28A2):c.65C>T (p.Pro22Leu)

Genes: SLC28A2 (solute carrier family 28 member 2; plus strand), SLC28A2-AS1 (SLC28A2 antisense RNA 1; minus strand). Cytogenetic location: 15q21.1.
Variant type: single nucleotide variant.
Coding change: c.65C>T on transcript NM_004212.4 (MANE Select); coding-DNA position 65, C replaced by T.
Protein change: p.Pro22Leu; replaces proline 22 with leucine.
Molecular consequence: missense variant.
Genome position (GRCh38, 1-based): chr15:45,253,280, C>T. VCF-style: chr15-45253280-C-T. GRCh37 (hg19) VCF-style: chr15-45545478-C-T.
Other names: short protein forms P22L.
Identifiers: ClinVar variation 1269551 (VCV001269551.2), dbSNP rs11854484, ClinGen allele CA7542055.